The following is an entry in ClinVar:

ClinVar aggregate classification (germline): Likely pathogenic (1 of 4 stars; one submission).

Conditions:
Structural heart defects and renal anomalies syndrome (SHDRA). Identifiers: Orphanet 689822, MedGen C4479549, MONDO:0044321, OMIM 617478.

Submission:

Juno Genomics, Hangzhou Juno Genomics, Inc
Classification: Likely pathogenic for Structural heart defects and renal anomalies syndrome. Review status: criteria provided, single submitter. Criteria: ACMG Guidelines, 2015. Collection method: clinical testing. Allele origin: germline. Affected: yes.
Comment: Absent from controls (or at extremely low frequency if recessive) in Genome Aggregation Database, Exome Sequencing Project, 1000 Genomes Project, or Exome Aggregation Consortium.;Null variant in a gene where loss of function (LOF) is a known mechanism of disease.

NM_017799.4(TMEM260):c.417G>A (p.Trp139Ter)

Gene: TMEM260 (transmembrane protein 260; plus strand). Cytogenetic location: 14q22.3.
Variant type: single nucleotide variant.
Coding change: c.417G>A on transcript NM_017799.4 (MANE Select); coding-DNA position 417, G replaced by A.
Protein change: p.Trp139Ter; replaces tryptophan 139 with a stop codon.
Molecular consequence: nonsense.
Genome position (GRCh38, 1-based): chr14:56,603,887, G>A. VCF-style: chr14-56603887-G-A. GRCh37 (hg19) VCF-style: chr14-57070605-G-A.
Other names: short protein forms W139*.
Identifiers: ClinVar variation 3899331 (VCV003899331.2).